The following is an entry in ClinVar:

NM_001080517.3(SETD5):c.2807T>G (p.Leu936Arg)

Gene: SETD5 (SET domain containing 5; plus strand). Cytogenetic location: 3p25.3.
Variant type: single nucleotide variant.
Coding change: c.2807T>G on transcript NM_001080517.3 (MANE Select); coding-DNA position 2807, T replaced by G.
Protein change: p.Leu936Arg; replaces leucine 936 with arginine.
Molecular consequence: missense variant.
Genome position (GRCh38, 1-based): chr3:9,470,541, T>G. VCF-style: chr3-9470541-T-G. GRCh37 (hg19) VCF-style: chr3-9512225-T-G.
Other names: c.2513T>G, p.Leu838Arg (NM_001292043.2, NM_001349451.2); c.2807T>G (NM_001080517.1); short protein forms L936R, L838R.
Identifiers: ClinVar variation 2128644 (VCV002128644.5), dbSNP rs2473804225, ClinGen allele CA351680185.

ClinVar aggregate classification (germline): Uncertain significance. Review status: criteria provided, multiple submitters, no conflicts (2 of 4 stars). 2 submissions from 2 submitters: Uncertain significance (2). Last evaluated 2026-04-27.

Conditions:
Inborn genetic diseases. Identifiers: MedGen C0950123, MeSH D030342.

Submissions (2):

Ambry Genetics
Classification: Uncertain significance for Inborn genetic diseases. Last evaluated: 2026-04-27. Review status: criteria provided, single submitter. Criteria: Ambry Variant Classification Scheme 2023. Collection method: clinical testing. Allele origin: germline.

Labcorp Genetics (formerly Invitae), Labcorp
Classification: Uncertain significance. Last evaluated: 2023-11-27. Review status: criteria provided, single submitter. Criteria: Invitae Variant Classification Sherloc (09022015). Collection method: clinical testing. Allele origin: germline.
Comment: This sequence change replaces leucine, which is neutral and non-polar, with arginine, which is basic and polar, at codon 936 of the SETD5 protein (p.Leu936Arg). This variant is not present in population databases (gnomAD no frequency). This variant has not been reported in the literature in individuals affected with SETD5-related conditions. ClinVar contains an entry for this variant (Variation ID: 2128644). Advanced modeling of protein sequence and biophysical properties (such as structural, functional, and spatial information, amino acid conservation, physicochemical variation, residue mobility, and thermodynamic stability) performed at Invitae indicates that this missense variant is not expected to disrupt SETD5 protein function with a negative predictive value of 80%. In summary, the available evidence is currently insufficient to determine the role of this variant in disease. Therefore, it has been classified as a Variant of Uncertain Significance.